The following is an entry in ClinVar:

NM_005993.5(TBCD):c.1603_1606del (p.Asp535fs)

Gene: TBCD (tubulin folding cofactor D). Cytogenetic location: 17q25.3.
Variant type: Deletion.
Coding change: c.1603_1606del on transcript NM_005993.5 (MANE Select); coding-DNA positions 1603 to 1606, 4 bases deleted.
Protein change: p.Asp535fs; shifts the reading frame from aspartic acid 535.
Molecular consequence: frameshift variant.
Genome position: GRCh38 VCF-style: chr17-82893583-GCTGA-G. GRCh37 (hg19) VCF-style: chr17-80851459-GCTGA-G.
Other names: c.1552_1555del, p.Asp518fs (NM_001411101.1); c.1603_1606del, p.Asp535fs (NM_001411102.1); short protein forms D518fs, D535fs.
Identifiers: ClinVar variation 3651395 (VCV003651395.2).

ClinVar aggregate classification (germline): Pathogenic (1 of 4 stars; one submission).

Submission:

Labcorp Genetics (formerly Invitae), Labcorp
Classification: Pathogenic. Last evaluated: 2024-07-08. Review status: criteria provided, single submitter. Criteria: Invitae Variant Classification Sherloc (09022015). Collection method: clinical testing. Allele origin: germline.
Comment: This sequence change creates a premature translational stop signal (p.Asp535Ilefs*14) in the TBCD gene. It is expected to result in an absent or disrupted protein product. Loss-of-function variants in TBCD are known to be pathogenic (PMID: 27666370, 27666374). This variant is not present in population databases (gnomAD no frequency). This variant has not been reported in the literature in individuals affected with TBCD-related conditions. For these reasons, this variant has been classified as Pathogenic.

Literature cited by the submitters: PubMed 27666370; PubMed 27666374.